The following is an entry in ClinVar:

NM_005120.3(MED12):c.3146A>T (p.Asn1049Ile)

Gene: MED12 (mediator complex subunit 12; plus strand). Cytogenetic location: Xq13.1.
Variant type: single nucleotide variant.
Coding change: c.3146A>T on transcript NM_005120.3 (MANE Select); coding-DNA position 3146, A replaced by T.
Protein change: p.Asn1049Ile; replaces asparagine 1049 with isoleucine.
Molecular consequence: missense variant.
Genome position (GRCh38, 1-based): chrX:71,128,057, A>T. VCF-style: chrX-71128057-A-T. GRCh37 (hg19) VCF-style: chrX-70347907-A-T.
Other names: short protein forms N1049I.
Identifiers: ClinVar variation 4801071 (VCV004801071.1).

ClinVar aggregate classification (germline): Uncertain significance (1 of 4 stars; one submission).

Conditions:
FG syndrome (FGS). Identifiers: MedGen C0220769, MONDO:0002010.

Submission:

Labcorp Genetics (formerly Invitae), Labcorp
Classification: Uncertain significance for FG syndrome. Last evaluated: 2025-05-22. Review status: criteria provided, single submitter. Criteria: Invitae Variant Classification Sherloc (09022015). Collection method: clinical testing. Allele origin: germline.
Comment: This sequence change replaces asparagine, which is neutral and polar, with isoleucine, which is neutral and non-polar, at codon 1049 of the MED12 protein (p.Asn1049Ile). This variant is not present in population databases (gnomAD no frequency). This variant has not been reported in the literature in individuals affected with MED12-related conditions. Invitae Evidence Modeling of protein sequence and biophysical properties (such as structural, functional, and spatial information, amino acid conservation, physicochemical variation, residue mobility, and thermodynamic stability) indicates that this missense variant is expected to disrupt MED12 protein function with a positive predictive value of 95%. In summary, the available evidence is currently insufficient to determine the role of this variant in disease. Therefore, it has been classified as a Variant of Uncertain Significance.